The following is an entry in ClinVar:

NM_032578.4(MYPN):c.3514C>T (p.Pro1172Ser)

Gene: MYPN (myopalladin; plus strand). Cytogenetic location: 10q21.3.
Variant type: single nucleotide variant.
Coding change: c.3514C>T on transcript NM_032578.4 (MANE Select); coding-DNA position 3514, C replaced by T.
Protein change: p.Pro1172Ser; replaces proline 1172 with serine.
Molecular consequence: missense variant. On other transcripts: non-coding transcript variant (2).
Genome position (GRCh38, 1-based): chr10:68,201,849, C>T. VCF-style: chr10-68201849-C-T. GRCh37 (hg19) VCF-style: chr10-69961606-C-T.
Other names: c.3514C>T, p.Pro1172Ser (NM_001256267.2); c.2632C>T, p.Pro878Ser (NM_001256268.2); short protein forms P1172S, P878S.
Identifiers: ClinVar variation 1704772 (VCV001704772.6), dbSNP rs1026312362, ClinGen allele CA208228063.

ClinVar aggregate classification (germline): Uncertain significance. Review status: criteria provided, multiple submitters, no conflicts (2 of 4 stars). 2 submissions from 2 submitters: Uncertain significance (2). Last evaluated 2022-03-28.

Conditions:
Dilated cardiomyopathy 1KK (CMD1KK). Identifiers: Orphanet 154, Orphanet 75249, MedGen C3714995, MONDO:0014100, OMIM 615248.

Allele frequency attached by ClinVar (database versions not stated): gnomAD exomes below 0.00001; TOPMed below 0.00001.
gnomAD v4.1: 4 of 1,614,080 alleles (0.00025%); highest among the groups gnomAD compares: Non-Finnish European, 0.00034%; no homozygotes.

Submissions (2):

Labcorp Genetics (formerly Invitae), Labcorp
Classification: Uncertain significance for Dilated cardiomyopathy 1KK. Last evaluated: 2022-03-28. Review status: criteria provided, single submitter. Criteria: Invitae Variant Classification Sherloc (09022015). Collection method: clinical testing. Allele origin: germline.
Comment: This variant is not present in population databases (gnomAD no frequency). This variant has not been reported in the literature in individuals affected with MYPN-related conditions. Algorithms developed to predict the effect of missense changes on protein structure and function (SIFT, PolyPhen-2, Align-GVGD) all suggest that this variant is likely to be disruptive. In summary, the available evidence is currently insufficient to determine the role of this variant in disease. Therefore, it has been classified as a Variant of Uncertain Significance. This sequence change replaces proline, which is neutral and non-polar, with serine, which is neutral and polar, at codon 1172 of the MYPN protein (p.Pro1172Ser).

GeneDx
Classification: Uncertain significance. Last evaluated: 2022-03-11. Review status: criteria provided, single submitter. Criteria: GeneDx Variant Classification Process June 2021. Collection method: clinical testing. Allele origin: germline. Affected: yes.
Comment: Not observed at significant frequency in large population cohorts (gnomAD); In silico analysis supports that this missense variant has a deleterious effect on protein structure/function; Has not been previously published as pathogenic or benign to our knowledge